The following is an entry in ClinVar:

NM_000152.5(GAA):c.861C>T (p.Pro287=)

Gene: GAA (alpha glucosidase; plus strand). Cytogenetic location: 17q25.3.
Variant type: single nucleotide variant.
Coding change: c.861C>T on transcript NM_000152.5 (MANE Select); coding-DNA position 861, C replaced by T.
Protein change: p.Pro287=; no amino-acid change (proline 287 retained).
Molecular consequence: synonymous variant.
Genome position (GRCh38, 1-based): chr17:80,107,802, C>T. VCF-style: chr17-80107802-C-T. GRCh37 (hg19) VCF-style: chr17-78081601-C-T.
Other names: c.861C>T (LRG_673t1); c.861C>T, p.Pro287= (NM_001079803.3, NM_001079804.3).
Identifiers: ClinVar variation 284775 (VCV000284775.37), dbSNP rs778580823, ClinGen allele CA8815072.

ClinVar aggregate classification (germline): Conflicting classifications of pathogenicity. Review status: criteria provided, conflicting classifications (1 of 4 stars). 12 submissions from 12 submitters: Uncertain significance (7); Likely benign (4). 1 of the submissions does not count toward it. Last evaluated 2026-07-01.

Conditions:
Cardiovascular phenotype. Identifiers: MedGen CN230736.
Glycogen storage disease, type II (IOPD). Also called: Acid maltase deficiency disease; Aglucosidase alfa; Deficiency of alpha-glucosidase; Deficiency of lysosomal alpha-glucosidase; POMPE DISEASE, INFANTILE-ONSET; GLYCOGEN STORAGE DISEASE II, INFANTILE-ONSET. Identifiers: Orphanet 365, MedGen C0017921, MONDO:0009290, OMIM 232300.

Allele frequency attached by ClinVar (database versions not stated): gnomAD 0.00004 and 0.00005; TOPMed 0.00005; gnomAD exomes 0.00009; ExAC 0.00010.
gnomAD v4.1: 128 of 1,611,418 alleles (0.0079%); highest among the groups gnomAD compares: South Asian, 0.021%; no homozygotes.

Submissions (12):

Genomenon, Inc
Classification: Likely benign for Glycogen storage disease, type II. Last evaluated: 2026-07-01. Review status: criteria provided, single submitter. Criteria: Genomenon Sequence Variant Interpretation Standards - Updated. Collection method: curation. Allele origin: germline. Affected: yes.
Comment: GAA c.861C>T is a synonymous variant that retains Proline at codon 287. This variant has been observed in at least one proband with a GAA-related disorder (PMID:39273088;27189384;22644586). It is absent or not present at a significant frequency in gnomAD. This variant is not predicted to impact splicing. In conclusion, we classify GAA c.861C>T (p.Pro287=) as a likely benign variant.

CeGaT Center for Human Genetics Tuebingen
Classification: Likely benign. Last evaluated: 2026-03-01. Review status: criteria provided, single submitter. Criteria: CeGaT Center For Human Genetics Tuebingen Variant Classification Criteria Version 2. Collection method: clinical testing. Allele origin: germline. Affected: yes. Observed: 2 variant alleles.
Comment: GAA: BP4, BP7

Labcorp Genetics (formerly Invitae), Labcorp
Classification: Likely benign for Glycogen storage disease, type II. Last evaluated: 2025-12-24. Review status: criteria provided, single submitter. Criteria: Invitae Variant Classification Sherloc (09022015). Collection method: clinical testing. Allele origin: germline.

Blueprint Genetics
Classification: Uncertain significance. Last evaluated: 2024-09-16. Review status: criteria provided, single submitter. Criteria: ACMG Guidelines, 2015. Collection method: clinical testing. Allele origin: germline.

Ambry Genetics
Classification: Likely benign for Cardiovascular phenotype. Last evaluated: 2024-05-28. Review status: criteria provided, single submitter. Criteria: Ambry Variant Classification Scheme 2023. Collection method: clinical testing. Allele origin: germline.

Genome-Nilou Lab
Classification: Uncertain significance for Glycogen storage disease, type II. Last evaluated: 2021-07-22. Review status: criteria provided, single submitter. Criteria: ACMG Guidelines, 2015. Collection method: clinical testing. Allele origin: germline. Affected: no.

Broad Center for Mendelian Genomics, Broad Institute of MIT and Harvard
Classification: Uncertain significance for Glycogen storage disease, type II. Last evaluated: 2020-01-22. Review status: criteria provided, single submitter. Criteria: ACMG Guidelines, 2015. Collection method: curation. Allele origin: germline. Inheritance: Autosomal recessive inheritance.
Comment: The heterozygous c.861C>T (p.Pro287=) variant in GAA has been reported in at least one individual with Glycogen Storage Disease II and has been identified in 0.020% (2/10132) of Ashkenazi Jewish chromosomes, 0.016% (5/30388) of South Asian chromosomes, and 0.01% (13/124796) of European (non-Finnish) chromosomes by the Genome Aggregation Database (gnomAD; dbSNP rs778580823). Although this variant has been seen in the general population, its frequency is low enough to be consistent with a recessive carrier frequency. This variant has also been reported a VUS by EGL Genetic Diagnostics and likely benign by Invitae in ClinVar (Variation ID: 284775). This variant is located in the first base of the exon, which is part of the 3' splice region. In vitro functional studies provide some evidence that the c.861C>T variant may impact GAA splicing and protein levels (PMID: 27189384, 23000108). However, these types of assays may not accurately represent biological function. Computational splice prediction tools and conservation analyses suggest that this variant may not impact the protein, though this information is not predictive enough to rule out pathogenicity. This variant has been reported in combination with a pathogenic variant and in an individual with Glycogen Storage Disease II, slightly increasing the likelihood that the c.861C>T variant is pathogenic (PMID: 27189384). However, this variant has also been reported in an individual reported to have two additional reported pathogenic variants (PMID: 22644586). In summary, the clinical significance of this variant is uncertain. ACMG/AMP Criteria applied: PM2, BP7, BP4, PM3_Supporting, PS3_Supporting, PP4 (Richards 2015).

GeneDx
Classification: Uncertain significance. Last evaluated: 2019-04-15. Review status: criteria provided, single submitter. Criteria: GeneDx Variant Classification Process June 2021. Collection method: clinical testing. Allele origin: germline. Affected: yes.
Comment: In-silico analysis, which includes splice predictors and evolutionary conservation, is inconclusive as to whether the variant alters gene splicing. In the absence of RNA/functional studies, the actual effect of this sequence change is unknown.; Reported in ClinVar but additional evidence is not available (ClinVar Variant ID 284775; Landrum et al., 2016); This variant is associated with the following publications: (PMID: 27189384, 22644586, 23000108)

Women's Health and Genetics/Laboratory Corporation of America, LabCorp
Classification: Uncertain significance. Last evaluated: 2019-01-07. Review status: criteria provided, single submitter. Criteria: LabCorp Variant Classification Summary - May 2015. Collection method: clinical testing. Allele origin: germline.
Comment: Variant summary: GAA c.861C>T (p.Pro287Pro) alters a non-conserved nucleotide located close to a canonical splice site and therefore could affect mRNA splicing, leading to a significantly altered protein sequence. 5/5 computational tools predict no significant impact on normal splicing. However, these predictions have yet to be confirmed by functional studies. The variant allele was found at a frequency of 8.5e-05 in 270968 control chromosomes. This frequency is not significantly higher than expected for a pathogenic variant in GAA causing Glycogen Storage Disease, Type 2 (Pompe Disease) (8.5e-05 vs 0.0042), allowing no conclusion about variant significance. c.861C>T has been reported in the literature in at least one individual with low GAA activity but without symptoms (van Capelle_2016). These report(s) do not provide unequivocal conclusions about association of the variant with Glycogen Storage Disease, Type 2 (Pompe Disease). At least one publication reports experimental evidence evaluating an impact on protein function, however, does not allow convincing conclusions about the variant effect (Wens_2012). Two clinical diagnostic laboratories have submitted clinical-significance assessments for this variant to ClinVar after 2014 without evidence for independent evaluation. One laboratory classified the variant as ikely benign, and one laboratory classified the variant as uncertain significance. Based on the evidence outlined above, the variant was classified as uncertain significance.

Illumina Laboratory Services, Illumina
Classification: Uncertain significance for Glycogen storage disease, type II. Last evaluated: 2018-01-13. Review status: criteria provided, single submitter. Criteria: ICSL Variant Classification Criteria 13 December 2019. Collection method: clinical testing. Allele origin: germline.

Eurofins Ntd Llc (ga)
Classification: Uncertain significance. Last evaluated: 2015-12-08. Review status: criteria provided, single submitter. Criteria: EGL Classification Definitions 2015. Collection method: clinical testing. Allele origin: germline. Observed: 2 variant alleles, 1 heterozygote.

Natera, Inc.
Classification: Uncertain significance for Glycogen storage disease type II. Last evaluated: 2020-01-06. Review status: no assertion criteria provided. Collection method: clinical testing. Allele origin: germline. Not counted in ClinVar's aggregate classification.

Literature cited by the submitters: PubMed 39273088 (cited by Genomenon, Inc); PubMed 27189384 (cited by Genomenon, Inc and Broad Center for Mendelian Genomics, Broad Institute of MIT and Harvard); PubMed 22644586 (cited by 3 submitters); PubMed 23000108 (cited by Broad Center for Mendelian Genomics, Broad Institute of MIT and Harvard and Women's Health and Genetics/Laboratory Corporation of America, LabCorp).